The following is an entry in ClinVar:

ClinVar aggregate classification (germline): Likely benign (1 of 4 stars; one submission).

Conditions:
ANKS3-related disorder. Also called: ANKS3-related condition.

gnomAD v4.1: 1 of 1,613,776 alleles (0.000062%); highest among the groups gnomAD compares: Non-Finnish European, 0.000085%; no homozygotes.

Submission:

PreventionGenetics, part of Exact Sciences
Classification: Likely benign for ANKS3-related condition. Last evaluated: 2026-03-02. Review status: criteria provided, single submitter. Criteria: ACMG Guidelines, 2015. Collection method: clinical testing. Allele origin: germline.
Comment: This variant is classified as likely benign based on ACMG/AMP sequence variant interpretation guidelines (Richards et al. 2015 PMID: 25741868, with internal and published modifications).

NM_133450.4(ANKS3):c.1120-6C>T

Gene: ANKS3 (ankyrin repeat and sterile alpha motif domain containing 3; minus strand). Cytogenetic location: 16p13.3.
Variant type: single nucleotide variant.
Coding change: c.1120-6C>T on transcript NM_133450.4 (MANE Select); 6 bases into the intron before coding-DNA position 1120, C replaced by T.
Molecular consequence: intron variant.
Genome position (GRCh38, 1-based): chr16:4,701,140, G>A on the plus strand (C>T on the coding strand, the complement: ANKS3 is on the minus strand). VCF-style: chr16-4701140-G-A. GRCh37 (hg19) VCF-style: chr16-4751141-G-A.
Other names: c.601-6C>T (NM_001324129.2); c.799-6C>T (NM_001242929.2); c.733-6C>T (NM_001308089.2); c.250-6C>T (NM_001324130.2).
Identifiers: ClinVar variation 4990919 (VCV004990919.1).